The following is an entry in ClinVar:

NM_001143985.1(BANF1):c.-221T>G

Gene: BANF1 (barrier to autointegration nuclear assembly factor 1; plus strand). Cytogenetic location: 11q13.1.
Variant type: single nucleotide variant.
Coding change: c.-221T>G on transcript NM_001143985.1; 221 bases upstream of the start codon, T replaced by G.
Genome position (GRCh38, 1-based): chr11:66,002,309, T>G. VCF-style: chr11-66002309-T-G. GRCh37 (hg19) VCF-style: chr11-65769780-T-G.
Identifiers: ClinVar variation 305400 (VCV000305400.8), dbSNP rs14157, ClinGen allele CA10639046.
Genomic context (GRCh38, chr11:66,002,309, plus strand): 5'-TCCGGGTCCGGGCAGCAGAGAAAGGAAGTCCTCTCCCTGGAGGCCTATCTCCCTCAGAAC[T>G]GCGCGAGAAGCGAGACCTTAGAAGGCAGGGCTTCCCGCGAAGGACCGGAAAGGAGCGCCT-3'

ClinVar aggregate classification (germline): Benign. Review status: criteria provided, multiple submitters, no conflicts (2 of 4 stars). 2 submissions from 2 submitters: Benign (2). Last evaluated 2018-01-12.

Conditions:
Nestor-Guillermo progeria syndrome (NGPS). Also called: PROGERIA SYNDROME, CHILDHOOD-ONSET, WITH OSTEOLYSIS. Identifiers: Orphanet 280576, MedGen C3151446, MONDO:0013523, OMIM 614008.

Allele frequency attached by ClinVar (database versions not stated): 1000 Genomes Project 0.41793; gnomAD 0.39591 and 0.38941; TOPMed 0.40647; gnomAD exomes 0.41667; 1000 Genomes Project 30x 0.41740.

Submissions (2):

Illumina Laboratory Services, Illumina
Classification: Benign for Nestor-Guillermo progeria syndrome. Last evaluated: 2018-01-12. Review status: criteria provided, single submitter. Criteria: ICSL Variant Classification Criteria 13 December 2019. Collection method: clinical testing. Allele origin: germline.
Comment: This variant was observed in the ICSL laboratory as part of a predisposition screen in an ostensibly healthy population. It had not been previously curated by ICSL or reported in the Human Gene Mutation Database (HGMD: prior to June 1st, 2018), and was therefore a candidate for classification through an automated scoring system. Utilizing variant allele frequency, disease prevalence and penetrance estimates, and inheritance mode, an automated score was calculated to assess if this variant is too frequent to cause the disease. Based on the score and internal cut-off values, a variant classified as benign is not then subjected to further curation. The score for this variant resulted in a classification of benign for this disease.

Breakthrough Genomics
Classification: Benign. Review status: criteria provided, single submitter. Criteria: ACMG Guidelines, 2015. Collection method: not provided. Allele origin: germline. Inheritance: Autosomal recessive inheritance. Affected: yes.